The following is an entry in ClinVar:

ClinVar aggregate classification (germline): Uncertain significance (1 of 4 stars; one submission).

Conditions:
Kabuki syndrome. Also called: Kabuki make-up syndrome; NIIKAWA-KUROKI SYNDROME. Identifiers: Orphanet 2322, MedGen C0796004, MONDO:0016512.

Submission:

Labcorp Genetics (formerly Invitae), Labcorp
Classification: Uncertain significance for Kabuki syndrome. Last evaluated: 2022-08-27. Review status: criteria provided, single submitter. Criteria: Invitae Variant Classification Sherloc (09022015). Collection method: clinical testing. Allele origin: germline.
Comment: In summary, the available evidence is currently insufficient to determine the role of this variant in disease. Therefore, it has been classified as a Variant of Uncertain Significance. Advanced modeling of protein sequence and biophysical properties (such as structural, functional, and spatial information, amino acid conservation, physicochemical variation, residue mobility, and thermodynamic stability) performed at Invitae indicates that this missense variant is not expected to disrupt KMT2D protein function. This variant has not been reported in the literature in individuals affected with KMT2D-related conditions. This variant is not present in population databases (gnomAD no frequency). This sequence change replaces glutamine, which is neutral and polar, with glutamic acid, which is acidic and polar, at codon 3918 of the KMT2D protein (p.Gln3918Glu).

NM_003482.4(KMT2D):c.11752C>G (p.Gln3918Glu)

Gene: KMT2D (lysine methyltransferase 2D; minus strand). Cytogenetic location: 12q13.12.
Variant type: single nucleotide variant.
Coding change: c.11752C>G on transcript NM_003482.4 (MANE Select); coding-DNA position 11752, C replaced by G.
Protein change: p.Gln3918Glu; replaces glutamine 3918 with glutamic acid.
Molecular consequence: missense variant.
Genome position (GRCh38, 1-based): chr12:49,032,953, G>C on the plus strand (C>G on the coding strand, the complement: KMT2D is on the minus strand). VCF-style: chr12-49032953-G-C. GRCh37 (hg19) VCF-style: chr12-49426736-G-C.
Other names: short protein forms Q3918E.
Identifiers: ClinVar variation 1718109 (VCV001718109.5), dbSNP rs2498361210, ClinGen allele CA384715825.
Genomic context (GRCh38, chr12:49,032,953, plus strand): 5'-GCTGCTGTTGCTGCTGTTGAAGCTGTTGCTGCTGAAGTTGCTGTTGCTGTTGTAGCTGCT[G>C]CTGCTGCTGCTGCTGAAGTTGCTGTTGCTGTTGCAGCTGCTGCTGCTGCTGAAGCTGCTG-3'
Protein context (NP_003473.3, residues 3908-3928): QQQQLQQQQQ[Gln3918Glu]QLQQQQQLQQ